The following is an entry in ClinVar:

ClinVar aggregate classification (germline): Uncertain significance (1 of 4 stars; one submission).

Allele frequency attached by ClinVar (database versions not stated): gnomAD exomes below 0.00001; TOPMed 0.00002; gnomAD 0.00003 and 0.00004.
gnomAD v4.1: 6 of 1,614,148 alleles (0.00037%); highest among the groups gnomAD compares: African/African-American, 0.0067%; no homozygotes.

Submission:

Labcorp Genetics (formerly Invitae), Labcorp
Classification: Uncertain significance. Last evaluated: 2022-11-22. Review status: criteria provided, single submitter. Criteria: Invitae Variant Classification Sherloc (09022015). Collection method: clinical testing. Allele origin: germline.
Comment: In summary, the available evidence is currently insufficient to determine the role of this variant in disease. Therefore, it has been classified as a Variant of Uncertain Significance. Advanced modeling of protein sequence and biophysical properties (such as structural, functional, and spatial information, amino acid conservation, physicochemical variation, residue mobility, and thermodynamic stability) performed at Invitae indicates that this missense variant is not expected to disrupt DHX38 protein function. ClinVar contains an entry for this variant (Variation ID: 839651). This variant has not been reported in the literature in individuals affected with DHX38-related conditions. This variant is present in population databases (no rsID available, gnomAD 0.008%). This sequence change replaces serine, which is neutral and polar, with alanine, which is neutral and non-polar, at codon 438 of the DHX38 protein (p.Ser438Ala).

NM_014003.4(DHX38):c.1312T>G (p.Ser438Ala)

Gene: DHX38 (DEAH-box helicase 38; plus strand). Cytogenetic location: 16q22.2.
Variant type: single nucleotide variant.
Coding change: c.1312T>G on transcript NM_014003.4 (MANE Select); coding-DNA position 1312, T replaced by G.
Protein change: p.Ser438Ala; replaces serine 438 with alanine.
Molecular consequence: missense variant.
Genome position (GRCh38, 1-based): chr16:72,101,119, T>G. VCF-style: chr16-72101119-T-G. GRCh37 (hg19) VCF-style: chr16-72135018-T-G.
Other names: short protein forms S438A.
Identifiers: ClinVar variation 839651 (VCV000839651.9), dbSNP rs898528409, ClinGen allele CA283680213.